The following is an entry in ClinVar:

NM_177438.3(DICER1):c.5017dup (p.Ile1673fs)

Gene: DICER1 (dicer 1, ribonuclease III; minus strand). Cytogenetic location: 14q32.13.
Variant type: Duplication.
Coding change: c.5017dup on transcript NM_177438.3 (MANE Select); coding-DNA position 5017, one base duplicated (A; older notation c.5017dupA).
Protein change: p.Ile1673fs; shifts the reading frame from isoleucine 1673.
Molecular consequence: frameshift variant.
Genome position (GRCh38, 1-based): chr14:95,095,903, T duplicated on the plus strand (A on the coding strand, the reverse complement: DICER1 is on the minus strand); the first of 4 consecutive T bases (chr14:95,095,903-95,095,906); duplicating any one gives the same sequence. VCF-style (leftmost placement, unchanged base first): chr14-95095902-A-AT. GRCh37 (hg19) VCF-style: chr14-95562239-A-AT.
Other names: c.5017dup, p.Ile1673fs (NM_001195573.1, NM_001271282.3, NM_001291628.2 and 1 more transcripts); short protein forms I1673fs.
Identifiers: ClinVar variation 933121 (VCV000933121.2), dbSNP rs1890266885, ClinGen allele CA1139663697.

ClinVar aggregate classification (germline): Pathogenic (1 of 4 stars; one submission).

Submission:

Foulkes Cancer Genetics LDI, Lady Davis Institute for Medical Research
Classification: Pathogenic. Last evaluated: 2019-07-01. Review status: criteria provided, single submitter. Criteria: ACMG Guidelines, 2015. Collection method: curation. Allele origin: germline. Affected: yes. Observed: 1 variant allele.
Comment: ACMG criteria met: PVS1, PM2, PP4

Literature cited by the submitters: PubMed 29459759.